The following is an entry in ClinVar:

ClinVar aggregate classification (germline): Uncertain significance (1 of 4 stars; one submission).

Allele frequency attached by ClinVar (database versions not stated): gnomAD exomes 0.00005.
gnomAD v4.1: 9 of 1,549,710 alleles (0.00058%); highest among the groups gnomAD compares: Admixed American, 0.014%; no homozygotes.

Submission:

Labcorp Genetics (formerly Invitae), Labcorp
Classification: Uncertain significance. Last evaluated: 2024-11-11. Review status: criteria provided, single submitter. Criteria: Invitae Variant Classification Sherloc (09022015). Collection method: clinical testing. Allele origin: germline.
Comment: This sequence change replaces glycine, which is neutral and non-polar, with arginine, which is basic and polar, at codon 2000 of the ZNF469 protein (p.Gly2000Arg). This variant is present in population databases (no rsID available, gnomAD 0.03%). This variant has not been reported in the literature in individuals affected with ZNF469-related conditions. ClinVar contains an entry for this variant (Variation ID: 1424653). An algorithm developed to predict the effect of missense changes on protein structure and function outputs the following: PolyPhen-2: "Benign". The arginine amino acid residue is found in multiple mammalian species, which suggests that this missense change does not adversely affect protein function. In summary, the available evidence is currently insufficient to determine the role of this variant in disease. Therefore, it has been classified as a Variant of Uncertain Significance.

NM_001367624.2(ZNF469):c.6082G>C (p.Gly2028Arg)

Gene: ZNF469 (zinc finger protein 469; plus strand). Cytogenetic location: 16q24.2.
Variant type: single nucleotide variant.
Coding change: c.6082G>C on transcript NM_001367624.2 (MANE Select); coding-DNA position 6082, G replaced by C.
Protein change: p.Gly2028Arg; replaces glycine 2028 with arginine.
Molecular consequence: missense variant.
Genome position (GRCh38, 1-based): chr16:88,433,552, G>C. VCF-style: chr16-88433552-G-C. GRCh37 (hg19) VCF-style: chr16-88499960-G-C.
Other names: short protein forms G2028R.
Identifiers: ClinVar variation 1424653 (VCV001424653.7), dbSNP rs192580109, ClinGen allele CA286381178.